The following is an entry in ClinVar:

NM_001035.3(RYR2):c.4238A>G (p.Asp1413Gly)

Gene: RYR2 (ryanodine receptor 2; plus strand). Cytogenetic location: 1q43.
Variant type: single nucleotide variant.
Coding change: c.4238A>G on transcript NM_001035.3 (MANE Select); coding-DNA position 4238, A replaced by G.
Protein change: p.Asp1413Gly; replaces aspartic acid 1413 with glycine.
Molecular consequence: missense variant.
Genome position (GRCh38, 1-based): chr1:237,591,816, A>G. VCF-style: chr1-237591816-A-G. GRCh37 (hg19) VCF-style: chr1-237755116-A-G.
Other names: short protein forms D1413G.
Identifiers: ClinVar variation 1345549 (VCV001345549.9), dbSNP rs1060500146, ClinGen allele CA345398785.

ClinVar aggregate classification (germline): Uncertain significance (1 of 4 stars; one submission).

Conditions:
Catecholaminergic polymorphic ventricular tachycardia 1. Also called: VENTRICULAR TACHYCARDIA, CATECHOLAMINERGIC POLYMORPHIC, 1, WITH OR WITHOUT ATRIAL DYSFUNCTION AND/OR DILATED CARDIOMYOPATHY; VENTRICULAR TACHYCARDIA, STRESS-INDUCED POLYMORPHIC 1; RYR2-Related Catecholaminergic Polymorphic Ventricular Tachycardia. Identifiers: Orphanet 3286, MedGen C1631597, MONDO:0011484, OMIM 604772.

Allele frequency attached by ClinVar (database versions not stated): gnomAD exomes below 0.00001.
gnomAD v4.1: 2 of 1,613,598 alleles (0.00012%); highest among the groups gnomAD compares: African/African-American, 0.0013%; no homozygotes.

Submission:

Labcorp Genetics (formerly Invitae), Labcorp
Classification: Uncertain significance for Catecholaminergic polymorphic ventricular tachycardia 1. Last evaluated: 2021-03-21. Review status: criteria provided, single submitter. Criteria: Invitae Variant Classification Sherloc (09022015). Collection method: clinical testing. Allele origin: germline.
Comment: In summary, the available evidence is currently insufficient to determine the role of this variant in disease. Therefore, it has been classified as a Variant of Uncertain Significance. Advanced modeling of protein sequence and biophysical properties (such as structural, functional, and spatial information, amino acid conservation, physicochemical variation, residue mobility, and thermodynamic stability) performed at Invitae indicates that this missense variant is not expected to disrupt RYR2 protein function. This variant has not been reported in the literature in individuals with RYR2-related conditions. This variant is not present in population databases (ExAC no frequency). This sequence change replaces aspartic acid with glycine at codon 1413 of the RYR2 protein (p.Asp1413Gly). The aspartic acid residue is highly conserved and there is a moderate physicochemical difference between aspartic acid and glycine.